The following is an entry in ClinVar:

NM_003998.4(NFKB1):c.1420G>A (p.Glu474Lys)

Gene: NFKB1 (nuclear factor kappa B subunit 1; plus strand). Cytogenetic location: 4q24.
Variant type: single nucleotide variant.
Coding change: c.1420G>A on transcript NM_003998.4 (MANE Select); coding-DNA position 1420, G replaced by A.
Protein change: p.Glu474Lys; replaces glutamic acid 474 with lysine.
Molecular consequence: missense variant.
Genome position (GRCh38, 1-based): chr4:102,596,257, G>A. VCF-style: chr4-102596257-G-A. GRCh37 (hg19) VCF-style: chr4-103517414-G-A.
Other names: c.1417G>A, p.Glu473Lys (NM_001165412.2, NM_001319226.2, NM_001382627.1); c.1420G>A, p.Glu474Lys (NM_001382625.1, NM_001382626.1); c.1378G>A, p.Glu460Lys (NM_001382628.1); short protein forms E474K, E460K, E473K.
Identifiers: ClinVar variation 2879154 (VCV002879154.3), dbSNP rs1337707554, ClinGen allele CA357751066.

ClinVar aggregate classification (germline): Uncertain significance (1 of 4 stars; one submission).

Allele frequency attached by ClinVar (database versions not stated): gnomAD exomes below 0.00001; TOPMed below 0.00001.
gnomAD v4.1: 6 of 1,613,778 alleles (0.00037%); highest among the groups gnomAD compares: South Asian, 0.0011%; no homozygotes.

Submission:

Labcorp Genetics (formerly Invitae), Labcorp
Classification: Uncertain significance. Last evaluated: 2024-07-25. Review status: criteria provided, single submitter. Criteria: Invitae Variant Classification Sherloc (09022015). Collection method: clinical testing. Allele origin: germline.
Comment: This sequence change replaces glutamic acid, which is acidic and polar, with lysine, which is basic and polar, at codon 474 of the NFKB1 protein (p.Glu474Lys). This variant is not present in population databases (gnomAD no frequency). This variant has not been reported in the literature in individuals affected with NFKB1-related conditions. An algorithm developed to predict the effect of missense changes on protein structure and function outputs the following: PolyPhen-2: "Benign". The lysine amino acid residue is found in multiple mammalian species, which suggests that this missense change does not adversely affect protein function. In summary, the available evidence is currently insufficient to determine the role of this variant in disease. Therefore, it has been classified as a Variant of Uncertain Significance.